The following is an entry in ClinVar:

NM_001135629.3(PPP1R21):c.1331A>T (p.His444Leu)

Gene: PPP1R21 (protein phosphatase 1 regulatory subunit 21; plus strand). Cytogenetic location: 2p16.3.
Variant type: single nucleotide variant.
Coding change: c.1331A>T on transcript NM_001135629.3 (MANE Select); coding-DNA position 1331, A replaced by T.
Protein change: p.His444Leu; replaces histidine 444 with leucine.
Molecular consequence: missense variant. On other transcripts: non-coding transcript variant (1).
Genome position (GRCh38, 1-based): chr2:48,486,643, A>T. VCF-style: chr2-48486643-A-T. GRCh37 (hg19) VCF-style: chr2-48713782-A-T.
Other names: NC_000002.11:g.48713782A>T; c.1331A>T, p.His444Leu (NM_001193475.2, NM_152994.5); short protein forms H444L.
Identifiers: ClinVar variation 2373864 (VCV002373864.4), dbSNP rs140182996, ClinGen allele CA1651291.

ClinVar aggregate classification (germline): Uncertain significance. Review status: criteria provided, multiple submitters, no conflicts (2 of 4 stars). 2 submissions from 2 submitters: Uncertain significance (2). Last evaluated 2025-06-11.

Conditions:
Inborn genetic diseases. Identifiers: MedGen C0950123, MeSH D030342.

Allele frequency attached by ClinVar (database versions not stated): ESP Exome Variant Server 0.00015.
gnomAD v4.1: 109 of 1,610,898 alleles (0.0068%); highest among the groups gnomAD compares: Non-Finnish European, 0.0086%; no homozygotes.

Submissions (3):

GeneDx
Classification: Uncertain significance. Last evaluated: 2025-06-11. Review status: criteria provided, single submitter. Criteria: GeneDx Variant Classification Process June 2021. Collection method: clinical testing. Allele origin: germline. Affected: yes.
Comment: In silico analysis supports that this missense variant has a deleterious effect on protein structure/function; Has not been previously published as pathogenic or benign to our knowledge

Ambry Genetics
Classification: Uncertain significance for Inborn genetic diseases. Last evaluated: 2021-08-17. Review status: criteria provided, single submitter. Criteria: Ambry Variant Classification Scheme 2023. Collection method: clinical testing. Allele origin: germline.

Dr. Peter K. Rogan Lab, Western University
No classification provided (evidence only). Condition: Clear cell carcinoma of kidney. Review status: no classification provided. Collection method: in vitro. Allele origin: not applicable. Functional consequence: retained intron. Not counted in ClinVar's aggregate classification.